The following is an entry in ClinVar:

ClinVar aggregate classification (germline): Likely benign. Review status: criteria provided, single submitter (1 of 4 stars). 2 submissions from 2 submitters: Likely benign (1). 1 of the submissions does not count toward it. Last evaluated 2024-02-23.

Conditions:
ZNF407-related disorder. Also called: ZNF407-related condition.

Allele frequency attached by ClinVar (database versions not stated): gnomAD exomes 0.00002; ExAC 0.00007; ESP Exome Variant Server 0.00008; gnomAD 0.00018; TOPMed 0.00023.
gnomAD v4.1: 68 of 1,613,868 alleles (0.0042%); highest among the groups gnomAD compares: African/African-American, 0.048%; no homozygotes.

Submissions (2):

Blueprint Genetics
Classification: Likely benign. Last evaluated: 2024-02-23. Review status: criteria provided, single submitter. Criteria: ACMG Guidelines, 2015. Collection method: clinical testing. Allele origin: germline.

PreventionGenetics, part of Exact Sciences
Classification: Likely benign for ZNF407-related condition. Last evaluated: 2024-02-12. Review status: no assertion criteria provided. Collection method: clinical testing. Allele origin: germline. Not counted in ClinVar's aggregate classification.
Comment: This variant is classified as likely benign based on ACMG/AMP sequence variant interpretation guidelines (Richards et al. 2015 PMID: 25741868, with internal and published modifications).

NM_017757.3(ZNF407):c.2619C>T (p.His873=)

Genes: ZNF407 (zinc finger protein 407; plus strand), LOC126862798 (MED14-independent group 3 enhancer GRCh37_chr18:72345358-72346557; plus strand). Cytogenetic location: 18q22.3.
Variant type: single nucleotide variant.
Coding change: c.2619C>T on transcript NM_017757.3 (MANE Select); coding-DNA position 2619, C replaced by T.
Protein change: p.His873=; no amino-acid change (histidine 873 retained).
Molecular consequence: synonymous variant.
Genome position (GRCh38, 1-based): chr18:74,633,638, C>T. VCF-style: chr18-74633638-C-T. GRCh37 (hg19) VCF-style: chr18-72345594-C-T.
Other names: c.2619C>T, p.His873= (NM_001146189.1, NM_001146190.1, NM_001384475.1).
Identifiers: ClinVar variation 3036301 (VCV003036301.3), dbSNP rs373567219, ClinGen allele CA9000554.